The following is an entry in ClinVar:

ClinVar aggregate classification (germline): Pathogenic (1 of 4 stars; one submission).

Conditions:
Epidermodysplasia verruciformis. Identifiers: Orphanet 302, MedGen C0014522, MONDO:0009176.

Allele frequency attached by ClinVar (database versions not stated): gnomAD exomes below 0.00001 and 0.00001; ExAC 0.00001.
gnomAD v4.1: 2 of 1,612,144 alleles (0.00012%); highest among the groups gnomAD compares: Admixed American, 0.0017%; no homozygotes.

Submission:

Labcorp Genetics (formerly Invitae), Labcorp
Classification: Pathogenic for Epidermodysplasia verruciformis. Last evaluated: 2021-10-20. Review status: criteria provided, single submitter. Criteria: Invitae Variant Classification Sherloc (09022015). Collection method: clinical testing. Allele origin: germline.
Comment: For these reasons, this variant has been classified as Pathogenic. This variant has not been reported in the literature in individuals affected with TMC6-related conditions. The frequency data for this variant in the population databases is considered unreliable, as metrics indicate poor data quality at this position in the gnomAD database. This sequence change creates a premature translational stop signal (p.Gln393*) in the TMC6 gene. It is expected to result in an absent or disrupted protein product. Loss-of-function variants in TMC6 are known to be pathogenic (PMID: 15042430, 17139267).

Literature cited by the submitters: PubMed 15042430; PubMed 17139267.

NM_001127198.5(TMC6):c.1177C>T (p.Gln393Ter)

Gene: TMC6 (transmembrane channel like 6; minus strand). Cytogenetic location: 17q25.3.
Variant type: single nucleotide variant.
Coding change: c.1177C>T on transcript NM_001127198.5 (MANE Select); coding-DNA position 1177, C replaced by T.
Protein change: p.Gln393Ter; replaces glutamine 393 with a stop codon.
Molecular consequence: nonsense. On other transcripts: non-coding transcript variant (4).
Genome position (GRCh38, 1-based): chr17:78,122,655, G>A on the plus strand (C>T on the coding strand, the complement: TMC6 is on the minus strand). VCF-style: chr17-78122655-G-A. GRCh37 (hg19) VCF-style: chr17-76118736-G-A.
Other names: c.1177C>T, p.Gln393Ter (NM_001321185.1, NM_001374593.1, NM_001374594.1 and 4 more transcripts); short protein forms Q393*.
Identifiers: ClinVar variation 1437451 (VCV001437451.6), dbSNP rs776505795, ClinGen allele CA8795846.
Genomic context (GRCh38, chr17:78,122,655, plus strand): 5'-GGCCACTCACCTTCAGCCGGGTGCGAATATTGTCCTGCTGGAGGCGGGAGGCCCGCTTCT[G>A]CGTCACCTTGTAGTCCCAGGAGCAGAAGACGGTGATGGCGTGGATGCCAGAGGTGCTGCC-3'